The following is an entry in ClinVar:

NM_004991.4(MECOM):c.2682G>C (p.Gln894His)

Gene: MECOM (MDS1 and EVI1 complex locus; minus strand). Cytogenetic location: 3q26.2.
Variant type: single nucleotide variant.
Coding change: c.2682G>C on transcript NM_004991.4 (MANE Select); coding-DNA position 2682, G replaced by C.
Protein change: p.Gln894His; replaces glutamine 894 with histidine.
Molecular consequence: missense variant.
Genome position (GRCh38, 1-based): chr3:169,102,149, C>G on the plus strand (G>C on the coding strand, the complement: MECOM is on the minus strand). VCF-style: chr3-169102149-C-G. GRCh37 (hg19) VCF-style: chr3-168819937-C-G.
Other names: c.2313G>C, p.Gln771His (NM_001105077.4); c.2118G>C, p.Gln706His (NM_001105078.4, NM_001205194.2, NM_001366469.2 and 1 more transcripts); c.2094G>C, p.Gln698His (NM_001163999.2, NM_001366470.2); c.2091G>C, p.Gln697His (NM_001164000.2, NM_001366471.2, NM_001366472.2); c.2655G>C, p.Gln885His (NM_001366466.2); c.2121G>C, p.Gln707His (NM_001366467.2, NM_001366468.2); c.1683G>C, p.Gln561His (NM_001366473.2); c.1119G>C, p.Gln373His (NM_001366474.2); short protein forms Q697H, Q706H, Q771H, Q885H, Q894H, Q561H, Q707H, Q373H.
Identifiers: ClinVar variation 4105797 (VCV004105797.1).
Genomic context (GRCh38, chr3:169,102,149, plus strand): 5'-CAGAAGGTTCTCTGGCAGGGCATTGGGAGGCGCCCTGAAGTTGAACATAGAGGGCACTGA[C>G]TGTAAGAGCTCACTGGCCTCAGGTTTCAGGGCACTGAAGCTCTCTAGCTTTTCTGCCATG-3'
Protein context (NP_004982.2, residues 884-904): ALKPEASELL[Gln894His]SVPSMFNFRA

ClinVar aggregate classification (germline): Uncertain significance (1 of 4 stars; one submission).

Conditions:
Inborn genetic diseases. Identifiers: MedGen C0950123, MeSH D030342.

gnomAD v4.1: 1 of 1,613,952 alleles (0.000062%); no homozygotes.

Submission:

Ambry Genetics
Classification: Uncertain significance for Inborn genetic diseases. Last evaluated: 2025-07-28. Review status: criteria provided, single submitter. Criteria: Ambry Variant Classification Scheme 2023. Collection method: clinical testing. Allele origin: germline.
Comment: The p.Q894H variant (also known as c.2682G>C), located in coding exon 11 of the MECOM gene, results from a G to C substitution at nucleotide position 2682. The glutamine at codon 894 is replaced by histidine, an amino acid with highly similar properties. This amino acid position is conserved. In addition, this alteration is predicted to be tolerated by in silico analysis. Based on the available evidence, the clinical significance of this variant remains unclear.